The following is an entry in ClinVar:

NM_020812.4(DOCK6):c.6111G>C (p.Leu2037Phe)

Gene: DOCK6 (dedicator of cytokinesis 6; minus strand). Cytogenetic location: 19p13.2.
Variant type: single nucleotide variant.
Coding change: c.6111G>C on transcript NM_020812.4 (MANE Select); coding-DNA position 6111, G replaced by C.
Protein change: p.Leu2037Phe; replaces leucine 2037 with phenylalanine.
Molecular consequence: missense variant.
Genome position (GRCh38, 1-based): chr19:11,199,530, C>G on the plus strand (G>C on the coding strand, the complement: DOCK6 is on the minus strand). VCF-style: chr19-11199530-C-G. GRCh37 (hg19) VCF-style: chr19-11310206-C-G.
Other names: c.6216G>C, p.Leu2072Phe (NM_001367830.1); short protein forms L2037F, L2072F.
Identifiers: ClinVar variation 2090487 (VCV002090487.4), dbSNP rs779954240, ClinGen allele CA404067774.
Genomic context (GRCh38, chr19:11,199,530, plus strand): 5'-CTAGGTACAGCTTTGGTCCTTGTGGGCTCAGAGGTCTGCCTTTCGGAAACTTGCTCTGTT[C>G]AAGGAGTTCCTGGAAAAAGAATGAGGGTGGGTCAGCATGGCCATGGGGCCCCCAACTCCA-3'
Protein context (NP_065863.2, residues 2027-2047): APTPPGLRNS[Leu2037Phe]NRASFRKADL

ClinVar aggregate classification (germline): Uncertain significance (1 of 4 stars; one submission).

gnomAD v4.1: 1 of 1,580,678 alleles (0.000063%); no homozygotes.

Submission:

Labcorp Genetics (formerly Invitae), Labcorp
Classification: Uncertain significance. Last evaluated: 2022-07-26. Review status: criteria provided, single submitter. Criteria: Invitae Variant Classification Sherloc (09022015). Collection method: clinical testing. Allele origin: germline.
Comment: This variant is not present in population databases (gnomAD no frequency). This sequence change replaces leucine, which is neutral and non-polar, with phenylalanine, which is neutral and non-polar, at codon 2037 of the DOCK6 protein (p.Leu2037Phe). This variant has not been reported in the literature in individuals affected with DOCK6-related conditions. In summary, the available evidence is currently insufficient to determine the role of this variant in disease. Therefore, it has been classified as a Variant of Uncertain Significance. Algorithms developed to predict the effect of missense changes on protein structure and function (SIFT, PolyPhen-2, Align-GVGD) all suggest that this variant is likely to be tolerated.